The following is an entry in ClinVar:

NM_201384.3(PLEC):c.2119A>T (p.Met707Leu)

Gene: PLEC (plectin; minus strand). Cytogenetic location: 8q24.3.
Variant type: single nucleotide variant.
Coding change: c.2119A>T on transcript NM_201384.3 (MANE Select); coding-DNA position 2119, A replaced by T.
Protein change: p.Met707Leu; replaces methionine 707 with leucine.
Molecular consequence: missense variant.
Genome position (GRCh38, 1-based): chr8:143,931,996, T>A on the plus strand (A>T on the coding strand, the complement: PLEC is on the minus strand). VCF-style: chr8-143931996-T-A. GRCh37 (hg19) VCF-style: chr8-145006164-T-A.
Other names: c.2200A>T, p.Met734Leu (NM_000445.5); c.2077A>T, p.Met693Leu (NM_201378.4); c.2053A>T, p.Met685Leu (NM_201379.3); c.2530A>T, p.Met844Leu (NM_201380.4); c.2023A>T, p.Met675Leu (NM_201381.3); c.2119A>T, p.Met707Leu (NM_201382.4); c.2131A>T, p.Met711Leu (NM_201383.3); short protein forms M675L, M685L, M693L, M707L, M711L, M734L, M844L.
Identifiers: ClinVar variation 1004675 (VCV001004675.5), dbSNP rs1827418770, ClinGen allele CA372576936.

ClinVar aggregate classification (germline): Uncertain significance (1 of 4 stars; one submission).

Conditions:
Epidermolysis bullosa simplex 5B, with muscular dystrophy (EBS5B). Also called: Epidermolysis bullosa simplex with muscular dystrophy; EPIDERMOLYSIS BULLOSA SIMPLEX AND LIMB-GIRDLE MUSCULAR DYSTROPHY. Identifiers: Orphanet 257, MedGen C2931072, MONDO:0009181, OMIM 226670.
Epidermolysis bullosa simplex, Ogna type (EBS5A). Also called: Pidermolysis bullosa simplex 5A, Ogna type; EPIDERMOLYSIS BULLOSA SIMPLEX 5A, OGNA TYPE. Identifiers: Orphanet 79401, MedGen C0432317, MONDO:0007555, OMIM 131950.
Epidermolysis bullosa simplex 5C, with pyloric atresia (EBS5C). Also called: PLEC-Related Epidermolysis Bullosa with Pyloric Atresia; Epidermolysis bullosa simplex with pyloric atresia; PLEC1-Related Epidermolysis Bullosa with Pyloric Atresia. Identifiers: Orphanet 158684, MedGen C2677349, MONDO:0012807, OMIM 612138.
Autosomal recessive limb-girdle muscular dystrophy type 2Q (LGMDR17). Also called: MUSCULAR DYSTROPHY, LIMB-GIRDLE, AUTOSOMAL RECESSIVE 17. Identifiers: Orphanet 254361, MedGen C3150989, MONDO:0013390, OMIM 613723.
Epidermolysis bullosa simplex with nail dystrophy (EBS5D). Identifiers: MedGen C4225309, MONDO:0014661, OMIM 616487.

Allele frequency attached by ClinVar (database versions not stated): gnomAD exomes below 0.00001.
gnomAD v4.1: 1 of 1,607,468 alleles (0.000062%); highest among the groups gnomAD compares: Non-Finnish European, 0.000085%; no homozygotes.

Submission:

Labcorp Genetics (formerly Invitae), Labcorp
Classification: Uncertain significance for Autosomal recessive limb-girdle muscular dystrophy type 2Q; Epidermolysis bullosa simplex, Ogna type; Epidermolysis bullosa simplex with nail dystrophy; Epidermolysis bullosa simplex 5C, with pyloric atresia; Epidermolysis bullosa simplex 5B, with muscular dystrophy. Last evaluated: 2024-11-26. Review status: criteria provided, single submitter. Criteria: Invitae Variant Classification Sherloc (09022015). Collection method: clinical testing. Allele origin: germline.
Comment: This sequence change replaces methionine, which is neutral and non-polar, with leucine, which is neutral and non-polar, at codon 734 of the PLEC protein (p.Met734Leu). This variant is not present in population databases (gnomAD no frequency). This variant has not been reported in the literature in individuals affected with PLEC-related conditions. ClinVar contains an entry for this variant (Variation ID: 1004675). Invitae Evidence Modeling of protein sequence and biophysical properties (such as structural, functional, and spatial information, amino acid conservation, physicochemical variation, residue mobility, and thermodynamic stability) indicates that this missense variant is not expected to disrupt PLEC protein function with a negative predictive value of 80%. In summary, the available evidence is currently insufficient to determine the role of this variant in disease. Therefore, it has been classified as a Variant of Uncertain Significance.